The following is an entry in ClinVar:

NM_000085.5(CLCNKB):c.1929+6G>A

Genes: CLCNKB (chloride voltage-gated channel Kb; plus strand), LOC106501713 (CLCNKB recombination region; plus strand). Cytogenetic location: 1p36.13.
Variant type: single nucleotide variant.
Coding change: c.1929+6G>A on transcript NM_000085.5 (MANE Select); 6 bases into the intron after coding-DNA position 1929, G replaced by A.
Molecular consequence: intron variant.
Genome position (GRCh38, 1-based): chr1:16,055,764, G>A. VCF-style: chr1-16055764-G-A. GRCh37 (hg19) VCF-style: chr1-16382259-G-A.
Other names: c.1419+6G>A (NM_001165945.2).
Identifiers: ClinVar variation 2419613 (VCV002419613.5), dbSNP rs200391980, ClinGen allele CA624079.

ClinVar aggregate classification (germline): Uncertain significance (1 of 4 stars; one submission).

Allele frequency attached by ClinVar (database versions not stated): gnomAD exomes 0.00001; ExAC 0.00003; gnomAD 0.00005; 1000 Genomes Project 0.00060; 1000 Genomes Project 30x 0.00062.
gnomAD v4.1: 27 of 1,612,350 alleles (0.0017%); highest among the groups gnomAD compares: East Asian, 0.027%; no homozygotes.

Submission:

Labcorp Genetics (formerly Invitae), Labcorp
Classification: Uncertain significance. Last evaluated: 2022-06-29. Review status: criteria provided, single submitter. Criteria: Invitae Variant Classification Sherloc (09022015). Collection method: clinical testing. Allele origin: germline.
Comment: This sequence change falls in intron 18 of the CLCNKB gene. It does not directly change the encoded amino acid sequence of the CLCNKB protein. It affects a nucleotide within the consensus splice site. This variant is present in population databases (rs200391980, gnomAD 0.03%). This variant has not been reported in the literature in individuals affected with CLCNKB-related conditions. Variants that disrupt the consensus splice site are a relatively common cause of aberrant splicing (PMID: 17576681, 9536098). Algorithms developed to predict the effect of sequence changes on RNA splicing suggest that this variant is not likely to affect RNA splicing. In summary, the available evidence is currently insufficient to determine the role of this variant in disease. Therefore, it has been classified as a Variant of Uncertain Significance.

Literature cited by the submitters: PubMed 17576681; PubMed 9536098.